The following is an entry in ClinVar:

NM_138927.4(SON):c.7074G>A (p.Gly2358=)

Gene: SON (SON DNA and RNA binding protein; plus strand). Cytogenetic location: 21q22.11.
Variant type: single nucleotide variant.
Coding change: c.7074G>A on transcript NM_138927.4 (MANE Select); coding-DNA position 7074, G replaced by A.
Protein change: p.Gly2358=; no amino-acid change (glycine 2358 retained).
Molecular consequence: synonymous variant. On other transcripts: non-coding transcript variant (1).
Genome position (GRCh38, 1-based): chr21:33,575,636, G>A. VCF-style: chr21-33575636-G-A. GRCh37 (hg19) VCF-style: chr21-34947942-G-A.
Other names: c.1158G>A, p.Gly386= (NM_001291412.3, NM_001412132.1); c.7074G>A, p.Gly2358= (NM_001412133.1); c.*870G>A (NM_058183.2); c.*176G>A (NM_138926.1).
Identifiers: ClinVar variation 2652626 (VCV002652626.24), dbSNP rs141910822, ClinGen allele CA10010163.

ClinVar aggregate classification (germline): Likely benign (1 of 4 stars; one submission).

Allele frequency attached by ClinVar (database versions not stated): 1000 Genomes Project 0.00060; 1000 Genomes Project 30x 0.00062; ExAC 0.00140; ESP Exome Variant Server 0.00146; gnomAD 0.00162; TOPMed 0.00164; gnomAD exomes 0.00244.
gnomAD v4.1: 3,784 of 1,613,132 alleles (0.23%); highest among the groups gnomAD compares: Non-Finnish European, 0.29%; 5 homozygotes.

Submission:

CeGaT Center for Human Genetics Tuebingen
Classification: Likely benign. Last evaluated: 2026-09-01. Review status: criteria provided, single submitter. Criteria: CeGaT Center For Human Genetics Tuebingen Variant Classification Criteria Version 2. Collection method: clinical testing. Allele origin: germline. Affected: yes. Observed: 4 variant alleles.
Comment: SON: BP4, BP7, BS1